The following is an entry in ClinVar:

NM_018026.4(PACS1):c.185C>T (p.Ala62Val)

Genes: PACS1 (phosphofurin acidic cluster sorting protein 1; plus strand), LOC130006099 (ATAC-STARR-seq lymphoblastoid silent region 3575; plus strand). Cytogenetic location: 11q13.1.
Variant type: single nucleotide variant.
Coding change: c.185C>T on transcript NM_018026.4 (MANE Select); coding-DNA position 185, C replaced by T.
Protein change: p.Ala62Val; replaces alanine 62 with valine.
Molecular consequence: missense variant.
Genome position (GRCh38, 1-based): chr11:66,070,671, C>T. VCF-style: chr11-66070671-C-T. GRCh37 (hg19) VCF-style: chr11-65838142-C-T.
Other names: short protein forms A62V.
Identifiers: ClinVar variation 4853708 (VCV004853708.1).

ClinVar aggregate classification (germline): Uncertain significance (1 of 4 stars; one submission).

gnomAD v4.1: 55 of 1,571,170 alleles (0.0035%); highest among the groups gnomAD compares: South Asian, 0.015%; no homozygotes.

Submission:

Women's Health and Genetics/Laboratory Corporation of America, LabCorp
Classification: Uncertain significance. Last evaluated: 2026-05-22. Review status: criteria provided, single submitter. Criteria: LabCorp Variant Classification Summary - May 2015. Collection method: clinical testing. Allele origin: germline.
Comment: Variant summary: PACS1 c.185C>T (p.Ala62Val) results in a non-conservative amino acid change in the encoded protein sequence. Algorithms developed to predict the effect of missense changes on protein structure and function are either unavailable or do not agree on the potential impact of this missense change. The frequency data for this variant in gnomAD is considered unreliable, as metrics indicate poor data quality at this position. To our knowledge, no occurrence of c.185C>T in individuals affected with PACS1-related conditions and no experimental evidence demonstrating its impact on protein function have been reported. No submitters have cited clinical-significance assessments for this variant to ClinVar. Based on the evidence outlined above, the variant was classified as uncertain significance.